The following is an entry in ClinVar:

NM_001999.4(FBN2):c.2105T>G (p.Met702Arg)

Gene: FBN2 (fibrillin 2; minus strand). Cytogenetic location: 5q23.3.
Variant type: single nucleotide variant.
Coding change: c.2105T>G on transcript NM_001999.4 (MANE Select); coding-DNA position 2105, T replaced by G.
Protein change: p.Met702Arg; replaces methionine 702 with arginine.
Molecular consequence: missense variant.
Genome position (GRCh38, 1-based): chr5:128,369,325, A>C on the plus strand (T>G on the coding strand, the complement: FBN2 is on the minus strand). VCF-style: chr5-128369325-A-C. GRCh37 (hg19) VCF-style: chr5-127705018-A-C.
Other names: short protein forms M702R.
Identifiers: ClinVar variation 1526215 (VCV001526215.1), dbSNP rs2126947635, ClinGen allele CA360739316.

ClinVar aggregate classification (germline): Uncertain significance (1 of 4 stars; one submission).

Conditions:
Congenital contractural arachnodactyly (CCA). Also called: Beals-Hecht syndrome; Arthrogryposis, distal, type 9; BEALS SYNDROME. Identifiers: Orphanet 115, MedGen C0220668, MONDO:0007363, OMIM 121050.

Submission:

3billion
Classification: Uncertain significance for Congenital contractural arachnodactyly. Last evaluated: 2022-03-22. Review status: criteria provided, single submitter. Criteria: ACMG Guidelines, 2015. Collection method: clinical testing. Allele origin: germline. Affected: yes. Observed: 1 heterozygote.
Comment: The variant is not observed in the gnomAD v2.1.1 dataset. In silico tool predictions suggest damaging effect of the variant on gene or gene product (REVEL: 0.741>=0.6). A missense variant is a common mechanism. Therefore, this variant is classified as uncertain significance according to the recommendation of ACMG/AMP guideline.